The following is an entry in ClinVar:

NM_206937.2(LIG4):c.1859A>G (p.Asp620Gly)

Gene: LIG4 (DNA ligase 4; minus strand). Cytogenetic location: 13q33.3.
Variant type: single nucleotide variant.
Coding change: c.1859A>G on transcript NM_206937.2 (MANE Select); coding-DNA position 1859, A replaced by G.
Protein change: p.Asp620Gly; replaces aspartic acid 620 with glycine.
Molecular consequence: missense variant.
Genome position (GRCh38, 1-based): chr13:108,209,410, T>C on the plus strand (A>G on the coding strand, the complement: LIG4 is on the minus strand). VCF-style: chr13-108209410-T-C. GRCh37 (hg19) VCF-style: chr13-108861758-T-C.
Other names: c.1859A>G, p.Asp620Gly (NM_001098268.2, NM_001352598.2, NM_001352599.2 and 6 more transcripts); c.1658A>G, p.Asp553Gly (NM_001330595.2); c.1895A>G, p.Asp632Gly (NM_001352604.2); short protein forms D553G, D620G, D632G.
Identifiers: ClinVar variation 1404507 (VCV001404507.5), dbSNP rs748989188, ClinGen allele CA7043602.

ClinVar aggregate classification (germline): Uncertain significance (1 of 4 stars; one submission).

Conditions:
DNA ligase IV deficiency. Identifiers: Orphanet 99812, MedGen C1847827, MONDO:0011686, OMIM 606593.

Allele frequency attached by ClinVar (database versions not stated): gnomAD exomes 0.00002 and 0.00006; TOPMed 0.00002; ExAC 0.00003; gnomAD 0.00003.
gnomAD v4.1: 100 of 1,614,066 alleles (0.0062%); highest among the groups gnomAD compares: Non-Finnish European, 0.0078%; no homozygotes.

Submission:

Labcorp Genetics (formerly Invitae), Labcorp
Classification: Uncertain significance for DNA ligase IV deficiency. Last evaluated: 2022-08-21. Review status: criteria provided, single submitter. Criteria: Invitae Variant Classification Sherloc (09022015). Collection method: clinical testing. Allele origin: germline.
Comment: This sequence change replaces aspartic acid, which is acidic and polar, with glycine, which is neutral and non-polar, at codon 620 of the LIG4 protein (p.Asp620Gly). This variant is present in population databases (rs748989188, gnomAD 0.005%). This variant has not been reported in the literature in individuals affected with LIG4-related conditions. ClinVar contains an entry for this variant (Variation ID: 1404507). Algorithms developed to predict the effect of missense changes on protein structure and function (SIFT, PolyPhen-2, Align-GVGD) all suggest that this variant is likely to be tolerated. In summary, the available evidence is currently insufficient to determine the role of this variant in disease. Therefore, it has been classified as a Variant of Uncertain Significance.